The following is an entry in ClinVar:

ClinVar aggregate classification (germline): Uncertain significance. Review status: criteria provided, multiple submitters, no conflicts (2 of 4 stars). 2 submissions from 2 submitters: Uncertain significance (2). Last evaluated 2025-07-14.

Allele frequency attached by ClinVar (database versions not stated): gnomAD exomes 0.00001; TOPMed 0.00002.
gnomAD v4.1: 19 of 1,614,184 alleles (0.0012%); highest among the groups gnomAD compares: Admixed American, 0.0033%; no homozygotes.

Submissions (2):

Labcorp Genetics (formerly Invitae), Labcorp
Classification: Uncertain significance. Last evaluated: 2025-07-14. Review status: criteria provided, single submitter. Criteria: Invitae Variant Classification Sherloc (09022015). Collection method: clinical testing. Allele origin: germline.
Comment: This sequence change replaces threonine, which is neutral and polar, with methionine, which is neutral and non-polar, at codon 654 of the RINT1 protein (p.Thr654Met). This variant is present in population databases (no rsID available, gnomAD 0.006%). This variant has not been reported in the literature in individuals affected with RINT1-related conditions. ClinVar contains an entry for this variant (Variation ID: 839532). An algorithm developed to predict the effect of missense changes on protein structure and function (PolyPhen-2) suggests that this variant is likely to be tolerated. In summary, the available evidence is currently insufficient to determine the role of this variant in disease. Therefore, it has been classified as a Variant of Uncertain Significance.

Ambry Genetics
Classification: Uncertain significance. Last evaluated: 2025-06-25. Review status: criteria provided, single submitter. Criteria: Ambry Variant Classification Scheme 2023. Collection method: clinical testing. Allele origin: germline.

NM_021930.6(RINT1):c.1961C>T (p.Thr654Met)

Genes: EFCAB10 (EF-hand calcium binding domain 10; minus strand), RINT1 (RAD50 interactor 1; plus strand). Cytogenetic location: 7q22.3.
Variant type: single nucleotide variant.
Coding change: c.1961C>T on transcript NM_021930.6 (MANE Select); coding-DNA position 1961, C replaced by T.
Protein change: p.Thr654Met; replaces threonine 654 with methionine.
Molecular consequence: missense variant. On other transcripts: 3 prime UTR variant (3), non-coding transcript variant (1).
Genome position (GRCh38, 1-based): chr7:105,565,351, C>T. VCF-style: chr7-105565351-C-T. GRCh37 (hg19) VCF-style: chr7-105205798-C-T.
Other names: c.*96G>A (NM_001355526.2); c.*198G>A (NM_001355530.2); c.*51G>A (NM_001355531.2); c.1727C>T, p.Thr576Met (NM_001346599.2); c.938C>T, p.Thr313Met (NM_001346600.2, NM_001346603.2); c.1037C>T, p.Thr346Met (NM_001346601.2); short protein forms T654M, T346M, T576M, T313M.
Identifiers: ClinVar variation 839532 (VCV000839532.11), dbSNP rs986540926, ClinGen allele CA164067760.